The following is an entry in ClinVar:

NM_133496.5(SLC30A7):c.775C>A (p.Gln259Lys)

Gene: SLC30A7 (solute carrier family 30 member 7; plus strand). Cytogenetic location: 1p21.2.
Variant type: single nucleotide variant.
Coding change: c.775C>A on transcript NM_133496.5 (MANE Select); coding-DNA position 775, C replaced by A.
Protein change: p.Gln259Lys; replaces glutamine 259 with lysine.
Molecular consequence: missense variant.
Genome position (GRCh38, 1-based): chr1:100,921,774, C>A. VCF-style: chr1-100921774-C-A. GRCh37 (hg19) VCF-style: chr1-101387330-C-A.
Other names: c.775C>A, p.Gln259Lys (NM_001144884.2); short protein forms Q259K.
Identifiers: ClinVar variation 4822332 (VCV004822332.4).
Genomic context (GRCh38, chr1:100,921,774, plus strand): 5'-TTACATATCCTAGCAGATACACTTGGAAGTATTGGTGTAATTGCTTCTGCCATCATGATG[C>A]AAAATTTTGGTCTGATGATAGCAGATCCTATCTGTTCAATTCTTATAGCCATTCTTATAG-3'
Protein context (NP_598003.2, residues 249-269): IGVIASAIMM[Gln259Lys]NFGLMIADPI

ClinVar aggregate classification (germline): Uncertain significance (1 of 4 stars; one submission).

gnomAD v4.1: 8 of 1,612,874 alleles (0.0005%); highest among the groups gnomAD compares: Non-Finnish European, 0.00068%; no homozygotes.

Submission:

CeGaT Center for Human Genetics Tuebingen
Classification: Uncertain significance. Last evaluated: 2026-02-01. Review status: criteria provided, single submitter. Criteria: CeGaT Center For Human Genetics Tuebingen Variant Classification Criteria Version 2. Collection method: clinical testing. Allele origin: germline. Affected: yes. Observed: 1 variant allele.
Comment: SLC30A7: PM2